The following is an entry in ClinVar:

ClinVar aggregate classification (germline): Uncertain significance (1 of 4 stars; one submission).

Conditions:
Spastic paraplegia. Identifiers: MedGen C0037772, HP:0001258.

Allele frequency attached by ClinVar (database versions not stated): gnomAD exomes below 0.00001.
gnomAD v4.1: 1 of 1,614,126 alleles (0.000062%); highest among the groups gnomAD compares: Non-Finnish European, 0.000085%; no homozygotes.

Submission:

Labcorp Genetics (formerly Invitae), Labcorp
Classification: Uncertain significance for Spastic paraplegia. Last evaluated: 2019-03-30. Review status: criteria provided, single submitter. Criteria: Invitae Variant Classification Sherloc (09022015). Collection method: clinical testing. Allele origin: germline.
Comment: This sequence change replaces aspartic acid with glycine at codon 399 of the ZFYVE26 protein (p.Asp399Gly). The aspartic acid residue is highly conserved and there is a moderate physicochemical difference between aspartic acid and glycine. This variant is not present in population databases (ExAC no frequency). This variant has not been reported in the literature in individuals with ZFYVE26-related conditions. Algorithms developed to predict the effect of missense changes on protein structure and function are either unavailable or do not agree on the potential impact of this missense change (SIFT: "Deleterious"; PolyPhen-2: "Benign"; Align-GVGD: "Class C65"). Algorithms developed to predict the effect of sequence changes on RNA splicing suggest that this variant may create or strengthen a splice site, but this prediction has not been confirmed by published transcriptional studies. In summary, the available evidence is currently insufficient to determine the role of this variant in disease. Therefore, it has been classified as a Variant of Uncertain Significance.

NM_015346.4(ZFYVE26):c.1196A>G (p.Asp399Gly)

Gene: ZFYVE26 (zinc finger FYVE-type containing 26; minus strand). Cytogenetic location: 14q24.1.
Variant type: single nucleotide variant.
Coding change: c.1196A>G on transcript NM_015346.4 (MANE Select); coding-DNA position 1196, A replaced by G.
Protein change: p.Asp399Gly; replaces aspartic acid 399 with glycine.
Molecular consequence: missense variant.
Genome position (GRCh38, 1-based): chr14:67,805,292, T>C on the plus strand (A>G on the coding strand, the complement: ZFYVE26 is on the minus strand). VCF-style: chr14-67805292-T-C. GRCh37 (hg19) VCF-style: chr14-68272009-T-C.
Other names: short protein forms D399G.
Identifiers: ClinVar variation 844223 (VCV000844223.9), dbSNP rs1374908015, ClinGen allele CA390177191.